The following is an entry in ClinVar:

ClinVar aggregate classification (germline): Uncertain significance (1 of 4 stars; one submission).

Allele frequency attached by ClinVar (database versions not stated): gnomAD exomes below 0.00001.
gnomAD v4.1: 1 of 1,614,236 alleles (0.000062%); highest among the groups gnomAD compares: Non-Finnish European, 0.000085%; no homozygotes.

Submission:

Labcorp Genetics (formerly Invitae), Labcorp
Classification: Uncertain significance. Last evaluated: 2025-01-13. Review status: criteria provided, single submitter. Criteria: Invitae Variant Classification Sherloc (09022015). Collection method: clinical testing. Allele origin: germline.
Comment: This sequence change replaces serine, which is neutral and polar, with tyrosine, which is neutral and polar, at codon 248 of the TEAD1 protein (p.Ser248Tyr). This variant is not present in population databases (gnomAD no frequency). This variant has not been reported in the literature in individuals affected with TEAD1-related conditions. ClinVar contains an entry for this variant (Variation ID: 2118172). Invitae Evidence Modeling of protein sequence and biophysical properties (such as structural, functional, and spatial information, amino acid conservation, physicochemical variation, residue mobility, and thermodynamic stability) indicates that this missense variant is not expected to disrupt TEAD1 protein function with a negative predictive value of 80%. In summary, the available evidence is currently insufficient to determine the role of this variant in disease. Therefore, it has been classified as a Variant of Uncertain Significance.

NM_021961.6(TEAD1):c.743C>A (p.Ser248Tyr)

Gene: TEAD1 (TEA domain transcription factor 1; plus strand). Cytogenetic location: 11p15.3.
Variant type: single nucleotide variant.
Coding change: c.743C>A on transcript NM_021961.6 (MANE Select); coding-DNA position 743, C replaced by A.
Protein change: p.Ser248Tyr; replaces serine 248 with tyrosine.
Molecular consequence: missense variant.
Genome position (GRCh38, 1-based): chr11:12,901,983, C>A. VCF-style: chr11-12901983-C-A. GRCh37 (hg19) VCF-style: chr11-12923530-C-A.
Other names: short protein forms S248Y.
Identifiers: ClinVar variation 2118172 (VCV002118172.4), dbSNP rs2494668957, ClinGen allele CA379714456.
Genomic context (GRCh38, chr11:12,901,983, plus strand): 5'-CTGTTGGTTTCTTACAGTACAACAAACACCTCTTCGTGCACATTGGGCATGCCAACCATT[C>A]TTACAGTGACCCATTGCTTGAATCAGTGGACATTCGTCAGATTTATGACAAATTTCCTGA-3'
Protein context (NP_068780.2, residues 238-258): LFVHIGHANH[Ser248Tyr]YSDPLLESVD